The following is an entry in ClinVar:

ClinVar aggregate classification (germline): Pathogenic (1 of 4 stars; one submission).

Conditions:
alpha Thalassemia. Also called: Alpha thalassemia spectrum. Identifiers: Orphanet 846, MedGen C0002312, MONDO:0011399, OMIM 604131.

Submission:

Natera, Inc.
Classification: Pathogenic for Alpha thalassemia. Last evaluated: 2025-11-22. Review status: criteria provided, single submitter. Criteria: Natera Variant Classification Schema (03/2026). Collection method: clinical testing. Allele origin: germline.
Comment: The c.96-39_114del variant in HBA2 is a frameshift variant predicted to shift the reading frame and introduce a stop codon. This variant is expected to result in nonsense mediated decay, truncation, or a dysfunctional protein product. This variant is rare in the general population with a frequency below the threshold expected for the associated phenotype(s). Another variant at this same site results in an alteration predicted to cause a similar molecular effect has been observed in individual(s) with the associated phenotype. Given the available evidence, this variant is classified as Pathogenic.

NM_000517.6(HBA2):c.96-39_114del

Genes: HBA2 (hemoglobin subunit alpha 2; plus strand), LOC106804612 (hemoglobin subunit alpha 2 recombination region; plus strand). Cytogenetic location: 16p13.3.
Variant type: Deletion.
Coding change: c.96-39_114del on transcript NM_000517.6 (MANE Select); 39 bases into the intron before coding-DNA position 96 through coding-DNA position 114, 58 bases deleted.
Molecular consequence: splice acceptor variant.
Genome position (GRCh38, 1-based): chr16:173,086-173,143, 58 bases deleted. GRCh37 (hg19): chr16:223,085-223,142.
Identifiers: ClinVar variation 4818688 (VCV004818688.1).